The following is an entry in ClinVar:

ClinVar aggregate classification (germline): Uncertain significance. Review status: criteria provided, multiple submitters, no conflicts (2 of 4 stars). 3 submissions from 3 submitters: Uncertain significance (3). Last evaluated 2025-08-01.

Conditions:
Renal dysplasia, cystic, susceptibility to. Identifiers: MedGen C3275898, MONDO:0011037, OMIM 601331.

gnomAD v4.1: 14 of 1,613,922 alleles (0.00087%); highest among the groups gnomAD compares: African/African-American, 0.004%; no homozygotes.

Submissions (3):

Labcorp Genetics (formerly Invitae), Labcorp
Classification: Uncertain significance. Last evaluated: 2025-08-01. Review status: criteria provided, single submitter. Criteria: Invitae Variant Classification Sherloc (09022015). Collection method: clinical testing. Allele origin: germline.
Comment: This sequence change replaces proline, which is neutral and non-polar, with histidine, which is basic and polar, at codon 824 of the BICC1 protein (p.Pro824His). This variant is present in population databases (rs768084474, gnomAD 0.002%). This variant has not been reported in the literature in individuals affected with BICC1-related conditions. ClinVar contains an entry for this variant (Variation ID: 3596227). An algorithm developed to predict the effect of missense changes on protein structure and function (PolyPhen-2) suggests that this variant is likely to be disruptive. In summary, the available evidence is currently insufficient to determine the role of this variant in disease. Therefore, it has been classified as a Variant of Uncertain Significance.

Ambry Genetics
Classification: Uncertain significance. Last evaluated: 2025-07-16. Review status: criteria provided, single submitter. Criteria: Ambry Variant Classification Scheme 2023. Collection method: clinical testing. Allele origin: germline.

Fulgent Genetics
Classification: Uncertain significance for Renal dysplasia, cystic, susceptibility to. Last evaluated: 2024-02-06. Review status: criteria provided, single submitter. Criteria: ACMG Guidelines, 2015. Collection method: clinical testing. Allele origin: germline.

NM_001080512.3(BICC1):c.2471C>A (p.Pro824His)

Gene: BICC1 (BicC family RNA binding protein 1; plus strand). Cytogenetic location: 10q21.1.
Variant type: single nucleotide variant.
Coding change: c.2471C>A on transcript NM_001080512.3 (MANE Select); coding-DNA position 2471, C replaced by A.
Protein change: p.Pro824His; replaces proline 824 with histidine.
Molecular consequence: missense variant.
Genome position (GRCh38, 1-based): chr10:58,813,924, C>A. VCF-style: chr10-58813924-C-A. GRCh37 (hg19) VCF-style: chr10-60573684-C-A.
Other names: c.2471C>A (NM_001080512.1); short protein forms P824H.
Identifiers: ClinVar variation 3596227 (VCV003596227.3).